The following is an entry in ClinVar:

NM_001382391.1(CSPP1):c.1433C>G (p.Pro478Arg)

Gene: CSPP1 (centrosome and spindle pole associated protein 1; plus strand). Cytogenetic location: 8q13.2.
Variant type: single nucleotide variant.
Coding change: c.1433C>G on transcript NM_001382391.1 (MANE Select); coding-DNA position 1433, C replaced by G.
Protein change: p.Pro478Arg; replaces proline 478 with arginine.
Molecular consequence: missense variant.
Genome position (GRCh38, 1-based): chr8:67,116,059, C>G. VCF-style: chr8-67116059-C-G. GRCh37 (hg19) VCF-style: chr8-68028294-C-G.
Other names: c.536C>G, p.Pro179Arg (NM_001291339.2); c.1352C>G, p.Pro451Arg (NM_001363131.2); c.1391C>G, p.Pro464Arg (NM_001363132.2); c.1310C>G, p.Pro437Arg (NM_001363133.2); c.1499C>G, p.Pro500Arg (NM_001364869.1); c.1319C>G, p.Pro440Arg (NM_001364870.1); c.1418C>G, p.Pro473Arg (NM_024790.7); short protein forms P179R, P473R, P500R, P437R, P464R, P451R, P478R, P440R.
Identifiers: ClinVar variation 1512405 (VCV001512405.8), dbSNP rs1438276592, ClinGen allele CA371199048.
Genomic context (GRCh38, chr8:67,116,059, plus strand): 5'-CACCTCTCCCTCCTTTATCTGCCCCATCTGTCCCACCCATCCCATCAGTTCATCCTGTTC[C>G]TTCTCAAAATGAAGATTTGCGCAGTGGACTCAGCAGCGCCCTTGGTGAAATGGTGTCTCC-3'
Protein context (NP_001369320.1, residues 468-488): VPPIPSVHPV[Pro478Arg]SQNEDLRSGL

ClinVar aggregate classification (germline): Uncertain significance (1 of 4 stars; one submission).

Conditions:
Joubert syndrome 21 (JBTS21). Identifiers: MedGen C3810212, MONDO:0014288, OMIM 615636.

Allele frequency attached by ClinVar (database versions not stated): gnomAD exomes 0.00001; TOPMed 0.00002.
gnomAD v4.1: 2 of 1,614,090 alleles (0.00012%); highest among the groups gnomAD compares: Admixed American, 0.0033%; no homozygotes.

Submission:

Labcorp Genetics (formerly Invitae), Labcorp
Classification: Uncertain significance for Joubert syndrome 21. Last evaluated: 2021-03-24. Review status: criteria provided, single submitter. Criteria: Invitae Variant Classification Sherloc (09022015). Collection method: clinical testing. Allele origin: germline.
Comment: In summary, the available evidence is currently insufficient to determine the role of this variant in disease. Therefore, it has been classified as a Variant of Uncertain Significance. Algorithms developed to predict the effect of missense changes on protein structure and function are either unavailable or do not agree on the potential impact of this missense change (SIFT: "Deleterious"; PolyPhen-2: "Possibly Damaging"; Align-GVGD: "Class C0"). This variant has not been reported in the literature in individuals with CSPP1-related conditions. This variant is not present in population databases (ExAC no frequency). This sequence change replaces proline with arginine at codon 473 of the CSPP1 protein (p.Pro473Arg). The proline residue is moderately conserved and there is a moderate physicochemical difference between proline and arginine.